The following is an entry in ClinVar:

ClinVar aggregate classification (germline): Uncertain significance. Review status: criteria provided, multiple submitters, no conflicts (2 of 4 stars). 2 submissions from 2 submitters: Uncertain significance (2). Last evaluated 2024-09-10.

Conditions:
Inborn genetic diseases. Identifiers: MedGen C0950123, MeSH D030342.

gnomAD v4.1: 7 of 1,613,956 alleles (0.00043%); highest among the groups gnomAD compares: South Asian, 0.0022%; no homozygotes.

Submissions (3):

Ambry Genetics
Classification: Uncertain significance for Inborn genetic diseases. Last evaluated: 2024-09-10. Review status: criteria provided, single submitter. Criteria: Ambry Variant Classification Scheme 2023. Collection method: clinical testing. Allele origin: germline.

Genetic Services Laboratory, University of Chicago
Classification: Uncertain significance. Last evaluated: 2021-03-19. Review status: criteria provided, single submitter. Criteria: ACMG Guidelines, 2015. Collection method: clinical testing. Allele origin: germline. Affected: no.
Comment: DNA sequence analysis of the JAK2 gene demonstrated a sequence change, c.176C>G, in exon 3 that results in an amino acid change, p.Ser59Cys. This sequence change has been described in gnomAD with a frequency of 0.020% (dbSNP rs754086152) in the Ashkenazi Jewish sub-population. The p.Ser59Cys change affects a poorly conserved amino acid residue located in a domain of the JAK2 protein that is known to be functional. In-silico pathogenicity prediction tools (SIFT, PolyPhen2, Align GVGD, REVEL) provide contradictory results for the p.Ser59Cys substitution. This sequence change does not appear to have been previously described in patients with JAK2-related disorders and has also not been described as a known benign sequence change in the JAK2 gene Due to the lack of sufficient evidences, the clinical significance of the p.Ser59Cys change remains unknown at this time.

Dr. Peter K. Rogan Lab, Western University
No classification provided (evidence only). Condition: Gastric cancer. Review status: no classification provided. Collection method: in vitro. Allele origin: not applicable. Functional consequence: retained intron. Not counted in ClinVar's aggregate classification.

NM_004972.4(JAK2):c.176C>G (p.Ser59Cys)

Genes: INSL6 (insulin like 6; minus strand), JAK2 (Janus kinase 2; plus strand). Cytogenetic location: 9p24.1.
Variant type: single nucleotide variant.
Coding change: c.176C>G on transcript NM_004972.4 (MANE Select); coding-DNA position 176, C replaced by G.
Protein change: p.Ser59Cys; replaces serine 59 with cysteine.
Molecular consequence: missense variant. On other transcripts: 5 prime UTR variant (2), non-coding transcript variant (2).
Genome position (GRCh38, 1-based): chr9:5,022,163, C>G. VCF-style: chr9-5022163-C-G. GRCh37 (hg19) VCF-style: chr9-5022163-C-G.
Other names: NC_000009.11:g.5022163C>G; c.176C>G, p.Ser59Cys (NM_001322194.2, NM_001322195.2, NM_001322196.2); c.-945C>G (NM_001322198.2, NM_001322199.2); c.176C>G (NM_004972.3); short protein forms S59C.
Identifiers: ClinVar variation 1337872 (VCV001337872.6), dbSNP rs754086152, ClinGen allele CA4971495.